The following is an entry in ClinVar:

NM_000275.3(OCA2):c.2208G>T (p.Ser736=)

Gene: OCA2 (OCA2 melanosomal transmembrane protein; minus strand). Cytogenetic location: 15q13.1.
Variant type: single nucleotide variant.
Coding change: c.2208G>T on transcript NM_000275.3 (MANE Select); coding-DNA position 2208, G replaced by T.
Protein change: p.Ser736=; no amino-acid change (serine 736 retained).
Molecular consequence: synonymous variant.
Genome position (GRCh38, 1-based): chr15:27,871,190, C>A on the plus strand (G>T on the coding strand, the complement: OCA2 is on the minus strand). VCF-style: chr15-27871190-C-A. GRCh37 (hg19) VCF-style: chr15-28116336-C-A.
Other names: c.2136G>T, p.Ser712= (NM_001300984.2).
Identifiers: ClinVar variation 436089 (VCV000436089.25), dbSNP rs1800418, ClinGen allele CA7438710.
Genomic context (GRCh38, chr15:27,871,190, plus strand): 5'-TCGACATGGACATGTGCAACTCACCATGGTAGCAGTGAACGGGATGTTGTCAATCAGGGA[C>A]GACGCCAGGGCTGAGACCCACACCACCAGGACAATGGCGGCTATGAGGCGCTGCTCCTCT-3'
Protein context (NP_000266.2, residues 726-746): VLVVWVSALA[Ser736=]SLIDNIPFTA

ClinVar aggregate classification (germline): Conflicting classifications of pathogenicity. Review status: criteria provided, conflicting classifications (1 of 4 stars). 6 submissions from 6 submitters: Uncertain significance (1); Benign (1); Likely benign (4). Last evaluated 2026-02-01.

Conditions:
Tyrosinase-positive oculocutaneous albinism (OCA2). Also called: ALBINISM II; Albinism, oculocutaneous, type II; Oculocutaneous albinism type 2. Identifiers: Orphanet 79432, MedGen C0268495, MONDO:0008746, OMIM 203200.

Allele frequency attached by ClinVar (database versions not stated): 1000 Genomes Project 0.00359; 1000 Genomes Project 30x 0.00390.
gnomAD v4.1: 911 of 1,614,020 alleles (0.056%); highest among the groups gnomAD compares: African/African-American, 1.1%; 6 homozygotes.

Submissions (6):

CeGaT Center for Human Genetics Tuebingen
Classification: Likely benign. Last evaluated: 2026-02-01. Review status: criteria provided, single submitter. Criteria: CeGaT Center For Human Genetics Tuebingen Variant Classification Criteria Version 2. Collection method: clinical testing. Allele origin: germline. Affected: yes. Observed: 1 variant allele.
Comment: OCA2: BP4, BP7, BS1

Labcorp Genetics (formerly Invitae), Labcorp
Classification: Benign. Last evaluated: 2026-01-28. Review status: criteria provided, single submitter. Criteria: Invitae Variant Classification Sherloc (09022015). Collection method: clinical testing. Allele origin: germline.

Blueprint Genetics
Classification: Likely benign. Last evaluated: 2024-09-04. Review status: criteria provided, single submitter. Criteria: ACMG Guidelines, 2015. Collection method: clinical testing. Allele origin: germline.

Genome-Nilou Lab
Classification: Likely benign for Tyrosinase-positive oculocutaneous albinism. Last evaluated: 2021-11-07. Review status: criteria provided, single submitter. Criteria: ACMG Guidelines, 2015. Collection method: clinical testing. Allele origin: germline. Affected: no.

Illumina Laboratory Services, Illumina
Classification: Uncertain significance for Tyrosinase-positive oculocutaneous albinism. Last evaluated: 2018-01-13. Review status: criteria provided, single submitter. Criteria: ICSL Variant Classification Criteria 13 December 2019. Collection method: clinical testing. Allele origin: germline.

Genetic Services Laboratory, University of Chicago
Classification: Likely benign. Last evaluated: 2016-02-29. Review status: criteria provided, single submitter. Criteria: ACMG Guidelines, 2015. Collection method: clinical testing. Allele origin: germline. Affected: no.